The following is an entry in ClinVar:

NM_182916.3(TRNT1):c.803-233A>C

Gene: TRNT1 (tRNA nucleotidyl transferase 1; plus strand). Cytogenetic location: 3p26.2.
Variant type: single nucleotide variant.
Coding change: c.803-233A>C on transcript NM_182916.3 (MANE Select); 233 bases into the intron before coding-DNA position 803, A replaced by C.
Molecular consequence: intron variant.
Genome position (GRCh38, 1-based): chr3:3,147,217, A>C. VCF-style: chr3-3147217-A-C. GRCh37 (hg19) VCF-style: chr3-3188901-A-C.
Other names: c.803-233A>C (NM_001367321.1, NM_001367323.1, NM_001367322.1); c.743-233A>C (NM_001302946.2).
Identifiers: ClinVar variation 684287 (VCV000684287.1), dbSNP rs1714328, ClinGen allele CA68734732.
Genomic context (GRCh38, chr3:3,147,217, plus strand): 5'-TTTGTGATTAGAAAGAGTATGCCTTGTGAGTCTGACACCACTGTCACCACTACCCCTGGA[A>C]CTCTTGATGTAGCTTTAATGGAAACAAGAACATTTTAGAGGTTTTGAAGGTGACAGGGGA-3'

ClinVar aggregate classification (germline): Benign (1 of 4 stars; one submission).

Allele frequency attached by ClinVar (database versions not stated): 1000 Genomes Project 30x 0.90006; TOPMed 0.90356; 1000 Genomes Project 0.90495; gnomAD 0.91039 and 0.91626.
gnomAD v4.1: 139,523 of 152,134 alleles (92%); highest among the groups gnomAD compares: East Asian, 100%; 65,194 homozygotes.

Submission:

GeneDx
Classification: Benign. Last evaluated: 2018-06-14. Review status: criteria provided, single submitter. Criteria: GeneDx Variant Classification (06012015). Collection method: clinical testing. Allele origin: germline. Affected: yes.
Comment: This variant is considered likely benign or benign based on one or more of the following criteria: it is a conservative change, it occurs at a poorly conserved position in the protein, it is predicted to be benign by multiple in silico algorithms, and/or has population frequency not consistent with disease.